The following is an entry in ClinVar:

ClinVar aggregate classification (germline): Uncertain significance (1 of 4 stars; one submission).

Conditions:
KBG syndrome (KBGS). Also called: ANKRD11-Related KBG Syndrome. Identifiers: Orphanet 2332, MedGen C0220687, MONDO:0007846, OMIM 148050.

Allele frequency attached by ClinVar (database versions not stated): gnomAD 0.00001; TOPMed 0.00001.
gnomAD v4.1: 4 of 1,614,054 alleles (0.00025%); highest among the groups gnomAD compares: African/African-American, 0.0013%; no homozygotes.

Submission:

Labcorp Genetics (formerly Invitae), Labcorp
Classification: Uncertain significance for KBG syndrome. Last evaluated: 2022-09-01. Review status: criteria provided, single submitter. Criteria: Invitae Variant Classification Sherloc (09022015). Collection method: clinical testing. Allele origin: germline.
Comment: This variant is not present in population databases (gnomAD no frequency). This sequence change replaces proline, which is neutral and non-polar, with alanine, which is neutral and non-polar, at codon 1648 of the ANKRD11 protein (p.Pro1648Ala). This variant has not been reported in the literature in individuals affected with ANKRD11-related conditions. Advanced modeling of protein sequence and biophysical properties (such as structural, functional, and spatial information, amino acid conservation, physicochemical variation, residue mobility, and thermodynamic stability) performed at Invitae indicates that this missense variant is not expected to disrupt ANKRD11 protein function. In summary, the available evidence is currently insufficient to determine the role of this variant in disease. Therefore, it has been classified as a Variant of Uncertain Significance.

NM_013275.6(ANKRD11):c.4942C>G (p.Pro1648Ala)

Gene: ANKRD11 (ankyrin repeat domain 11; minus strand). Cytogenetic location: 16q24.3.
Variant type: single nucleotide variant.
Coding change: c.4942C>G on transcript NM_013275.6 (MANE Select); coding-DNA position 4942, C replaced by G.
Protein change: p.Pro1648Ala; replaces proline 1648 with alanine.
Molecular consequence: missense variant.
Genome position (GRCh38, 1-based): chr16:89,281,600, G>C on the plus strand (C>G on the coding strand, the complement: ANKRD11 is on the minus strand). VCF-style: chr16-89281600-G-C. GRCh37 (hg19) VCF-style: chr16-89348008-G-C.
Other names: c.4942C>G, p.Pro1648Ala (NM_001256182.2, NM_001256183.2); short protein forms P1648A.
Identifiers: ClinVar variation 2001213 (VCV002001213.4), dbSNP rs1295892091, ClinGen allele CA397156302.